The following is an entry in ClinVar:

ClinVar aggregate classification (germline): Likely benign (0 of 4 stars; one submission).

Conditions:
SEMA3D-related disorder. Also called: SEMA3D-related condition.

Allele frequency attached by ClinVar (database versions not stated): gnomAD 0.00007; ESP Exome Variant Server 0.00008; TOPMed 0.00008; gnomAD exomes 0.00015; ExAC 0.00016.
gnomAD v4.1: 221 of 1,613,232 alleles (0.014%); highest among the groups gnomAD compares: Non-Finnish European, 0.018%; no homozygotes.

Submission:

PreventionGenetics, part of Exact Sciences
Classification: Likely benign for SEMA3D-related condition. Last evaluated: 2021-06-24. Review status: no assertion criteria provided. Collection method: clinical testing. Allele origin: germline.
Comment: This variant is classified as likely benign based on ACMG/AMP sequence variant interpretation guidelines (Richards et al. 2015 PMID: 25741868, with internal and published modifications).

NM_001384900.1(SEMA3D):c.1092C>T (p.Asp364=)

Gene: SEMA3D (semaphorin 3D; minus strand). Cytogenetic location: 7q21.11.
Variant type: single nucleotide variant.
Coding change: c.1092C>T on transcript NM_001384900.1 (MANE Select); coding-DNA position 1092, C replaced by T.
Protein change: p.Asp364=; no amino-acid change (aspartic acid 364 retained).
Molecular consequence: synonymous variant.
Genome position (GRCh38, 1-based): chr7:85,036,988, G>A on the plus strand (C>T on the coding strand, the complement: SEMA3D is on the minus strand). VCF-style: chr7-85036988-G-A. GRCh37 (hg19) VCF-style: chr7-84666304-G-A.
Other names: c.1092C>T, p.Asp364= (NM_001384901.1, NM_001384902.1, NM_001384903.1 and 1 more transcripts).
Identifiers: ClinVar variation 3032828 (VCV003032828.2), dbSNP rs149139295, ClinGen allele CA4323516.